The following is an entry in ClinVar:

ClinVar aggregate classification (germline): Uncertain significance (1 of 4 stars; one submission).

Allele frequency attached by ClinVar (database versions not stated): ExAC 0.00002; gnomAD 0.00002; TOPMed 0.00002.
gnomAD v4.1: 59 of 1,613,660 alleles (0.0037%); highest among the groups gnomAD compares: Non-Finnish European, 0.0047%; no homozygotes.

Submission:

Labcorp Genetics (formerly Invitae), Labcorp
Classification: Uncertain significance. Last evaluated: 2022-07-29. Review status: criteria provided, single submitter. Criteria: Invitae Variant Classification Sherloc (09022015). Collection method: clinical testing. Allele origin: germline.
Comment: This sequence change replaces alanine, which is neutral and non-polar, with serine, which is neutral and polar, at codon 293 of the SERPINB7 protein (p.Ala293Ser). This variant is present in population databases (rs766828781, gnomAD 0.003%). This variant has not been reported in the literature in individuals affected with SERPINB7-related conditions. Algorithms developed to predict the effect of missense changes on protein structure and function output the following: SIFT: "Tolerated"; PolyPhen-2: "Benign"; Align-GVGD: "Class C0". The serine amino acid residue is found in multiple mammalian species, which suggests that this missense change does not adversely affect protein function. In summary, the available evidence is currently insufficient to determine the role of this variant in disease. Therefore, it has been classified as a Variant of Uncertain Significance.

NM_003784.4(SERPINB7):c.877G>T (p.Ala293Ser)

Gene: SERPINB7 (serpin family B member 7; plus strand). Cytogenetic location: 18q21.33.
Variant type: single nucleotide variant.
Coding change: c.877G>T on transcript NM_003784.4 (MANE Select); coding-DNA position 877, G replaced by T.
Protein change: p.Ala293Ser; replaces alanine 293 with serine.
Molecular consequence: missense variant.
Genome position (GRCh38, 1-based): chr18:63,804,369, G>T. VCF-style: chr18-63804369-G-T. GRCh37 (hg19) VCF-style: chr18-61471603-G-T.
Other names: c.877G>T, p.Ala293Ser (NM_001040147.3, NM_001261830.2); c.826G>T, p.Ala276Ser (NM_001261831.2); short protein forms A276S, A293S.
Identifiers: ClinVar variation 2151342 (VCV002151342.1), dbSNP rs766828781, ClinGen allele CA8989554.